The following is an entry in ClinVar:

ClinVar aggregate classification (germline): Uncertain significance (1 of 4 stars; one submission).

gnomAD v4.1: 2 of 1,614,192 alleles (0.00012%); highest among the groups gnomAD compares: Non-Finnish European, 0.00017%; no homozygotes.

Submission:

Ambry Genetics
Classification: Uncertain significance. Last evaluated: 2026-03-29. Review status: criteria provided, single submitter. Criteria: Ambry Variant Classification Scheme 2023. Collection method: clinical testing. Allele origin: germline.
Comment: The p.T1202I variant (also known as c.3605C>T), located in coding exon 13 of the CDK12 gene, results from a C to T substitution at nucleotide position 3605. The threonine at codon 1202 is replaced by isoleucine, an amino acid with similar properties. This amino acid position is conserved. In addition, this alteration is predicted to be tolerated by in silico analysis. Based on the available evidence, the clinical significance of this variant remains unclear.

NM_016507.4(CDK12):c.3605C>T (p.Thr1202Ile)

Gene: CDK12 (cyclin dependent kinase 12; plus strand). Cytogenetic location: 17q12.
Variant type: single nucleotide variant.
Coding change: c.3605C>T on transcript NM_016507.4 (MANE Select); coding-DNA position 3605, C replaced by T.
Protein change: p.Thr1202Ile; replaces threonine 1202 with isoleucine.
Molecular consequence: missense variant.
Genome position (GRCh38, 1-based): chr17:39,526,161, C>T. VCF-style: chr17-39526161-C-T. GRCh37 (hg19) VCF-style: chr17-37682414-C-T.
Other names: c.3605C>T, p.Thr1202Ile (NM_015083.4); short protein forms T1202I.
Identifiers: ClinVar variation 4868465 (VCV004868465.1).
Genomic context (GRCh38, chr17:39,526,161, plus strand): 5'-CACCCTCTGCCCCAGTGATCCTGCCTTCAGCAGAACAGACGACCCTTGAAGCTTCAAGCA[C>T]ACCAGCTGACATGCAGAATATATTGGCAGTTCTCTTGAGTCAGCTGATGAAAACCCAAGA-3'
Protein context (NP_057591.2, residues 1192-1212): AEQTTLEASS[Thr1202Ile]PADMQNILAV